The following is an entry in ClinVar:

ClinVar aggregate classification (germline): Uncertain significance. Review status: criteria provided, multiple submitters, no conflicts (2 of 4 stars). 2 submissions from 2 submitters: Uncertain significance (2). Last evaluated 2023-01-27.

Allele frequency attached by ClinVar (database versions not stated): gnomAD 0.00001; gnomAD exomes 0.00001; TOPMed 0.00002.
gnomAD v4.1: 13 of 1,509,678 alleles (0.00086%); highest among the groups gnomAD compares: African/African-American, 0.0043%; no homozygotes.

Submissions (2):

Blueprint Genetics
Classification: Uncertain significance. Last evaluated: 2023-01-27. Review status: criteria provided, single submitter. Criteria: ACMG Guidelines, 2015. Collection method: clinical testing. Allele origin: germline.

Labcorp Genetics (formerly Invitae), Labcorp
Classification: Uncertain significance. Last evaluated: 2022-01-07. Review status: criteria provided, single submitter. Criteria: Invitae Variant Classification Sherloc (09022015). Collection method: clinical testing. Allele origin: germline.
Comment: In summary, the available evidence is currently insufficient to determine the role of this variant in disease. Therefore, it has been classified as a Variant of Uncertain Significance. Algorithms developed to predict the effect of missense changes on protein structure and function are either unavailable or do not agree on the potential impact of this missense change (SIFT: "Deleterious"; PolyPhen-2: "Benign"; Align-GVGD: "Class C0"). This variant has not been reported in the literature in individuals affected with ARHGEF18-related conditions. The frequency data for this variant in the population databases is considered unreliable, as metrics indicate poor data quality at this position in the gnomAD database. This sequence change replaces arginine, which is basic and polar, with glutamine, which is neutral and polar, at codon 946 of the ARHGEF18 protein (p.Arg946Gln).

NM_001367823.1(ARHGEF18):c.3401G>A (p.Arg1134Gln)

Gene: ARHGEF18 (Rho/Rac guanine nucleotide exchange factor 18; plus strand). Cytogenetic location: 19p13.2.
Variant type: single nucleotide variant.
Coding change: c.3401G>A on transcript NM_001367823.1 (MANE Select); coding-DNA position 3401, G replaced by A.
Protein change: p.Arg1134Gln; replaces arginine 1134 with glutamine.
Molecular consequence: missense variant.
Genome position (GRCh38, 1-based): chr19:7,467,605, G>A. VCF-style: chr19-7467605-G-A. GRCh37 (hg19) VCF-style: chr19-7532491-G-A.
Other names: c.2675G>A, p.Arg892Gln (NM_001130955.2); c.2363G>A, p.Arg788Gln (NM_001367824.1, NM_015318.4); short protein forms R1134Q, R892Q, R788Q.
Identifiers: ClinVar variation 2144388 (VCV002144388.3), dbSNP rs1252268167, ClinGen allele CA403089552.
Genomic context (GRCh38, chr19:7,467,605, plus strand): 5'-AGGCCTACCAGCACGACCTGGAGCGGCTGCGCGAGGCCCAGCGTGCCGTGGAGCGCGAGC[G>A]GGAGCGCCTGGAGCTGCTGCGCCGCCTCAAGAAGCAGAACACCGCGCCAGGCGCGCTGCC-3'
Protein context (NP_001354752.1, residues 1124-1144): REAQRAVERE[Arg1134Gln]ERLELLRRLK